The following is an entry in ClinVar:

ClinVar aggregate classification (germline): Pathogenic/Likely pathogenic. Review status: criteria provided, multiple submitters, no conflicts (2 of 4 stars). 8 submissions from 8 submitters: Pathogenic (5); Likely pathogenic (2). 1 of the submissions does not count toward it. Last evaluated 2025-01-13.

Conditions:
Morquio syndrome. Also called: Mucopolysaccharidosis, Type IV; MPS IV; Mucopolysaccharidosis type 4; Eccentrochondrodysplasia. Identifiers: Orphanet 582, MedGen C0026707, MONDO:0018938.
Mucopolysaccharidosis, MPS-IV-A (MPS4A). Also called: GALACTOSAMINE-6-SULFATASE DEFICIENCY; GALNS DEFICIENCY; MPS IVA; Mucopolysaccharidosis type IV A; Morquio syndrome A, mild; MORQUIO A DISEASE. Identifiers: Orphanet 309297, Orphanet 582, MedGen C0086651, MONDO:0009659, OMIM 253000.

Allele frequency attached by ClinVar (database versions not stated): gnomAD exomes below 0.00001; TOPMed below 0.00001.
gnomAD v4.1: 4 of 1,585,620 alleles (0.00025%); highest among the groups gnomAD compares: East Asian, 0.0023%; no homozygotes.

Submissions (8):

GeneDx
Classification: Pathogenic. Last evaluated: 2025-01-13. Review status: criteria provided, single submitter. Criteria: GeneDx Variant Classification Process June 2021. Collection method: clinical testing. Allele origin: germline. Affected: yes.
Comment: Not observed at significant frequency in large population cohorts (gnomAD); In silico analysis supports that this missense variant has a deleterious effect on protein structure/function; This variant is associated with the following publications: (PMID: 25287660, 30458289, 34426522, 32860008, 32014045, 24035930, 34387910, 15235041, 22940367, 25501214, 29966168, 29869463, Liang2023[case report], Sung[case report], 26147980, 20574428, 36077388, 30980944, 34573925, 35212421, 35782601, 36000290)

Labcorp Genetics (formerly Invitae), Labcorp
Classification: Pathogenic for Mucopolysaccharidosis, MPS-IV-A. Last evaluated: 2024-03-14. Review status: criteria provided, single submitter. Criteria: Invitae Variant Classification Sherloc (09022015). Collection method: clinical testing. Allele origin: germline.
Comment: This sequence change replaces glycine, which is neutral and non-polar, with aspartic acid, which is acidic and polar, at codon 340 of the GALNS protein (p.Gly340Asp). This variant is not present in population databases (gnomAD no frequency). This missense change has been observed in individual(s) with mucopolysaccharidosis type IVA (PMID: 15235041, 20574428, 30458289, 30980944). ClinVar contains an entry for this variant (Variation ID: 18403). Advanced modeling of protein sequence and biophysical properties (such as structural, functional, and spatial information, amino acid conservation, physicochemical variation, residue mobility, and thermodynamic stability) performed at Invitae indicates that this missense variant is expected to disrupt GALNS protein function with a positive predictive value of 95%. For these reasons, this variant has been classified as Pathogenic.

Women's Health and Genetics/Laboratory Corporation of America, LabCorp
Classification: Pathogenic for Morquio syndrome. Last evaluated: 2023-02-27. Review status: criteria provided, single submitter. Criteria: LabCorp Variant Classification Summary - May 2015. Collection method: clinical testing. Allele origin: germline.
Comment: Variant summary: GALNS c.1019G>A (p.Gly340Asp) results in a non-conservative amino acid change located in the Sulfatase, N-terminal domain (IPR000917) of the encoded protein sequence. Five of five in-silico tools predict a damaging effect of the variant on protein function. The variant was absent in 192834 control chromosomes. c.1019G>A has been reported in the literature in multiple individuals affected with Mucopolysaccharidosis Type IVA (Tomatsu_2004, Wang_2010, Cozma_2015), and some are reported as compound heterozygous with other (likely) pathogenic variants. These data indicate that the variant is very likely to be associated with disease. At least one publication reports quantification of GALNS enzymatic product using blood samples from MPS IVA affected patients and normal controls, finding that samples from patients homozygous with the variant showed a nearly complete loss of activity (Cozma_2015). Four submitters have provided clinical-significance assessments for this variant to ClinVar after 2014, and all laboratories classified the variant as pathogenic/likely pathogenic. Based on the evidence outlined above, the variant was classified as pathogenic.

Genome-Nilou Lab
Classification: Likely pathogenic for Mucopolysaccharidosis, MPS-IV-A. Last evaluated: 2021-11-07. Review status: criteria provided, single submitter. Criteria: ACMG Guidelines, 2015. Collection method: clinical testing. Allele origin: germline. Affected: no.

Laboratory of Diagnosis and Therapy of Lysosomal Disorders, University of Padova
Classification: Pathogenic for Mucopolysaccharidosis, MPS-IV-A. Last evaluated: 2021-02-01. Review status: criteria provided, single submitter. Criteria: ACMG Guidelines, 2015. Collection method: curation. Allele origin: germline. Affected: yes.
Comment: In vivo functional studies supportive of a damaging effect on the gene product (low to null enzymatic activity in homozygotes; PS3_strong);the prevalence of the variant in affected individuals is significantly increased compared with the prevalence in controls (PS4_strong); absent from gnomAD v2.1.1 (PM2_moderate); multiple lines of computational evidence support a deleterious effect on the gene (PP3_supporting)

Rady Children's Institute for Genomic Medicine, Rady Children's Hospital San Diego
Classification: Likely pathogenic for MUCOPOLYSACCHARIDOSIS, TYPE IVA. Last evaluated: 2020-07-28. Review status: criteria provided, single submitter. Criteria: ACMG Guidelines, 2015. Collection method: clinical testing. Allele origin: germline. Affected: yes.
Comment: This variant has been previously reported as a compound heterozygous and homozygous change in patients with Mucopolysaccharidosis IVA (PMID: 20574428, 15235041, 30980944, 30458289). It is absent from the gnomAD population database and thus is presumed to be rare. The c.1019G>A (p.Gly340Asp) variant affects a highly conserved amino acid and is predicted by multiple in silico tools to have a deleterious effect on protein function. Based on the available evidence, the c.1019G>A (p.Gly340Asp) variant is classified as Likely Pathogenic.

CENTOGENE GmbH and LLC - Guiding Precision Medicine
Classification: Pathogenic for Mucopolysaccharidosis, MPS-IV-A. Review status: criteria provided, single submitter. Criteria: ACMG Guidelines, 2015. Collection method: clinical testing. Allele origin: germline. Affected: yes.

OMIM
Classification: Pathogenic for MUCOPOLYSACCHARIDOSIS, TYPE IVA. Last evaluated: 2010-08-01. Review status: no assertion criteria provided. Collection method: literature only. Allele origin: germline. Not counted in ClinVar's aggregate classification.

Literature cited by the submitters: PubMed 15235041 (cited by 3 submitters); PubMed 20574428 (cited by 4 submitters); PubMed 30458289 (cited by Labcorp Genetics (formerly Invitae), Labcorp and Laboratory of Diagnosis and Therapy of Lysosomal Disorders, University of Padova); PubMed 30980944 (cited by Labcorp Genetics (formerly Invitae), Labcorp and Laboratory of Diagnosis and Therapy of Lysosomal Disorders, University of Padova); PubMed 26147980 (cited by Women's Health and Genetics/Laboratory Corporation of America, LabCorp and Laboratory of Diagnosis and Therapy of Lysosomal Disorders, University of Padova); PubMed 24035930 (cited by Laboratory of Diagnosis and Therapy of Lysosomal Disorders, University of Padova); PubMed 32014045 (cited by Laboratory of Diagnosis and Therapy of Lysosomal Disorders, University of Padova); PubMed 34387910 (cited by Laboratory of Diagnosis and Therapy of Lysosomal Disorders, University of Padova); PubMed 32860008 (cited by CENTOGENE GmbH and LLC - Guiding Precision Medicine).

NM_000512.5(GALNS):c.1019G>A (p.Gly340Asp)

Gene: GALNS (galactosamine (N-acetyl)-6-sulfatase; minus strand). Cytogenetic location: 16q24.3.
Variant type: single nucleotide variant.
Coding change: c.1019G>A on transcript NM_000512.5 (MANE Select); coding-DNA position 1019, G replaced by A.
Protein change: p.Gly340Asp; replaces glycine 340 with aspartic acid.
Molecular consequence: missense variant.
Genome position (GRCh38, 1-based): chr16:88,826,822, C>T on the plus strand (G>A on the coding strand, the complement: GALNS is on the minus strand). VCF-style: chr16-88826822-C-T. GRCh37 (hg19) VCF-style: chr16-88893230-C-T.
Other names: c.1019G>A (NM_000512.4); c.464G>A, p.Gly155Asp (NM_001323543.2); c.1037G>A, p.Gly346Asp (NM_001323544.2); short protein forms G340D, G346D, G155D.
Identifiers: ClinVar variation 18403 (VCV000018403.16), dbSNP rs267606838, ClinGen allele CA251576.